The following is an entry in ClinVar:

ClinVar aggregate classification (germline): Uncertain significance (1 of 4 stars; one submission).

Submission:

Ambry Genetics
Classification: Uncertain significance. Last evaluated: 2023-03-24. Review status: criteria provided, single submitter. Criteria: Ambry Variant Classification Scheme 2023. Collection method: clinical testing. Allele origin: germline.
Comment: The p.P1266A variant (also known as c.3796C>G), located in coding exon 17 of the NPAT gene, results from a C to G substitution at nucleotide position 3796. The proline at codon 1266 is replaced by alanine, an amino acid with highly similar properties. This amino acid position is conserved. In addition, this alteration is predicted to be tolerated by in silico analysis. Since supporting evidence is limited at this time, the clinical significance of this alteration remains unclear.

NM_002519.3(NPAT):c.3796C>G (p.Pro1266Ala)

Gene: NPAT (nuclear protein, coactivator of histone transcription; minus strand). Cytogenetic location: 11q22.3.
Variant type: single nucleotide variant.
Coding change: c.3796C>G on transcript NM_002519.3 (MANE Select); coding-DNA position 3796, C replaced by G.
Protein change: p.Pro1266Ala; replaces proline 1266 with alanine.
Molecular consequence: missense variant.
Genome position (GRCh38, 1-based): chr11:108,161,290, G>C on the plus strand (C>G on the coding strand, the complement: NPAT is on the minus strand). VCF-style: chr11-108161290-G-C. GRCh37 (hg19) VCF-style: chr11-108032017-G-C.
Other names: c.3817C>G, p.Pro1273Ala (NM_001321307.1); short protein forms P1266A, P1273A.
Identifiers: ClinVar variation 2562550 (VCV002562550.2), dbSNP rs2496694587, ClinGen allele CA382510020.
Genomic context (GRCh38, chr11:108,161,290, plus strand): 5'-TATCTATAGGTTCTTCTTTATGTTTTTCCCCTGCCCCTGAGCCAGGTGTCCGGGGCACAG[G>C]TAAATCACTACTATCAGCAAGCCTACTTACTGAGCTGTGCCTCTGTATATCCTGTAACAT-3'
Protein context (NP_002510.2, residues 1256-1276): VSRLADSSDL[Pro1266Ala]VPRTPGSGAG